The following is an entry in ClinVar:

NM_201384.3(PLEC):c.366T>C (p.Asn122=)

Gene: PLEC (plectin; minus strand). Cytogenetic location: 8q24.3.
Variant type: single nucleotide variant.
Coding change: c.366T>C on transcript NM_201384.3 (MANE Select); coding-DNA position 366, T replaced by C.
Protein change: p.Asn122=; no amino-acid change (asparagine 122 retained).
Molecular consequence: synonymous variant.
Genome position (GRCh38, 1-based): chr8:143,937,048, A>G on the plus strand (T>C on the coding strand, the complement: PLEC is on the minus strand). VCF-style: chr8-143937048-A-G. GRCh37 (hg19) VCF-style: chr8-145011216-A-G.
Other names: c.447T>C, p.Asn149= (NM_000445.5); c.324T>C, p.Asn108= (NM_201378.4); c.300T>C, p.Asn100= (NM_201379.3); c.777T>C, p.Asn259= (NM_201380.4); c.270T>C, p.Asn90= (NM_201381.3); c.366T>C, p.Asn122= (NM_201382.4); c.378T>C, p.Asn126= (NM_201383.3).
Identifiers: ClinVar variation 283715 (VCV000283715.14), dbSNP rs782096761, ClinGen allele CA4928466.

ClinVar aggregate classification (germline): Conflicting classifications of pathogenicity. Review status: criteria provided, conflicting classifications (1 of 4 stars). 3 submissions from 3 submitters: Uncertain significance (1); Likely benign (2). Last evaluated 2025-12-23.

Conditions:
Epidermolysis bullosa simplex with nail dystrophy (EBS5D). Identifiers: MedGen C4225309, MONDO:0014661, OMIM 616487.
Epidermolysis bullosa simplex 5C, with pyloric atresia (EBS5C). Also called: PLEC-Related Epidermolysis Bullosa with Pyloric Atresia; Epidermolysis bullosa simplex with pyloric atresia; PLEC1-Related Epidermolysis Bullosa with Pyloric Atresia. Identifiers: Orphanet 158684, MedGen C2677349, MONDO:0012807, OMIM 612138.
Autosomal recessive limb-girdle muscular dystrophy type 2Q (LGMDR17). Also called: MUSCULAR DYSTROPHY, LIMB-GIRDLE, AUTOSOMAL RECESSIVE 17. Identifiers: Orphanet 254361, MedGen C3150989, MONDO:0013390, OMIM 613723.
Epidermolysis bullosa simplex 5B, with muscular dystrophy (EBS5B). Also called: EPIDERMOLYSIS BULLOSA SIMPLEX AND LIMB-GIRDLE MUSCULAR DYSTROPHY; Epidermolysis bullosa simplex with muscular dystrophy. Identifiers: Orphanet 257, MedGen C2931072, MONDO:0009181, OMIM 226670.
Epidermolysis bullosa simplex, Ogna type (EBS5A). Also called: Pidermolysis bullosa simplex 5A, Ogna type; EPIDERMOLYSIS BULLOSA SIMPLEX 5A, OGNA TYPE. Identifiers: Orphanet 79401, MedGen C0432317, MONDO:0007555, OMIM 131950.

Allele frequency attached by ClinVar (database versions not stated): gnomAD exomes 0.00001 and 0.00002; ExAC 0.00002; gnomAD 0.00002 and 0.00003; TOPMed 0.00006.
gnomAD v4.1: 23 of 1,612,890 alleles (0.0014%); highest among the groups gnomAD compares: Admixed American, 0.013%; no homozygotes.

Submissions (3):

Labcorp Genetics (formerly Invitae), Labcorp
Classification: Likely benign for Autosomal recessive limb-girdle muscular dystrophy type 2Q; Epidermolysis bullosa simplex, Ogna type; Epidermolysis bullosa simplex with nail dystrophy; Epidermolysis bullosa simplex 5C, with pyloric atresia; Epidermolysis bullosa simplex 5B, with muscular dystrophy. Last evaluated: 2025-12-23. Review status: criteria provided, single submitter. Criteria: Invitae Variant Classification Sherloc (09022015). Collection method: clinical testing. Allele origin: germline.

GeneDx
Classification: Likely benign. Last evaluated: 2018-04-19. Review status: criteria provided, single submitter. Criteria: GeneDx Variant Classification (06012015). Collection method: clinical testing. Allele origin: germline. Affected: yes.
Comment: This variant is considered likely benign or benign based on one or more of the following criteria: it is a conservative change, it occurs at a poorly conserved position in the protein, it is predicted to be benign by multiple in silico algorithms, and/or has population frequency not consistent with disease.

Eurofins Ntd Llc (ga)
Classification: Uncertain significance. Last evaluated: 2015-10-08. Review status: criteria provided, single submitter. Criteria: EGL Classification Definitions 2015. Collection method: clinical testing. Allele origin: germline. Observed: 1 variant allele, 1 heterozygote.